The following is an entry in ClinVar:

ClinVar aggregate classification (germline): Uncertain significance. Review status: criteria provided, multiple submitters, no conflicts (2 of 4 stars). 3 submissions from 3 submitters: Uncertain significance (3). Last evaluated 2026-03-05.

Conditions:
EDNRB-related disorder. Also called: EDNRB-related condition; EDNRB-related disorders.

Allele frequency attached by ClinVar (database versions not stated): ExAC 0.00003; TOPMed 0.00003; ESP Exome Variant Server 0.00008.
gnomAD v4.1: 9 of 1,612,838 alleles (0.00056%); highest among the groups gnomAD compares: Admixed American, 0.013%; no homozygotes.

Submissions (3):

PreventionGenetics, part of Exact Sciences
Classification: Uncertain significance for EDNRB-related condition. Last evaluated: 2026-03-05. Review status: criteria provided, single submitter. Criteria: ACMG Guidelines, 2015. Collection method: clinical testing. Allele origin: germline.
Comment: The EDNRB c.772C>G variant is predicted to result in the amino acid substitution p.His258Asp. To our knowledge, this variant has not been reported in the literature. This variant is reported in 0.015% of alleles in individuals of Latino descent in gnomAD. At this time, the clinical significance of this variant is uncertain due to the absence of conclusive functional and genetic evidence.

GeneDx
Classification: Uncertain significance. Last evaluated: 2025-06-05. Review status: criteria provided, single submitter. Criteria: GeneDx Variant Classification Process June 2021. Collection method: clinical testing. Allele origin: germline. Affected: yes.
Comment: In silico analysis supports that this missense variant has a deleterious effect on protein structure/function; Has not been previously published as pathogenic or benign to our knowledge

Labcorp Genetics (formerly Invitae), Labcorp
Classification: Uncertain significance. Last evaluated: 2023-02-23. Review status: criteria provided, single submitter. Criteria: Invitae Variant Classification Sherloc (09022015). Collection method: clinical testing. Allele origin: germline.
Comment: In summary, the available evidence is currently insufficient to determine the role of this variant in disease. Therefore, it has been classified as a Variant of Uncertain Significance. Advanced modeling of protein sequence and biophysical properties (such as structural, functional, and spatial information, amino acid conservation, physicochemical variation, residue mobility, and thermodynamic stability) performed at Invitae indicates that this missense variant is not expected to disrupt EDNRB protein function. ClinVar contains an entry for this variant (Variation ID: 1521548). This variant has not been reported in the literature in individuals affected with EDNRB-related conditions. This variant is present in population databases (rs368940609, gnomAD 0.02%). This sequence change replaces histidine, which is basic and polar, with aspartic acid, which is acidic and polar, at codon 258 of the EDNRB protein (p.His258Asp).

NM_001122659.3(EDNRB):c.772C>G (p.His258Asp)

Genes: EDNRB (endothelin receptor type B; minus strand), EDNRB-AS1 (EDNRB antisense RNA 1; plus strand). Cytogenetic location: 13q22.3.
Variant type: single nucleotide variant.
Coding change: c.772C>G on transcript NM_001122659.3 (MANE Select); coding-DNA position 772, C replaced by G.
Protein change: p.His258Asp; replaces histidine 258 with aspartic acid.
Molecular consequence: missense variant.
Genome position (GRCh38, 1-based): chr13:77,903,185, G>C on the plus strand (C>G on the coding strand, the complement: EDNRB is on the minus strand). VCF-style: chr13-77903185-G-C. GRCh37 (hg19) VCF-style: chr13-78477320-G-C.
Other names: c.772C>G, p.His258Asp (NM_000115.5, NM_003991.4); c.1042C>G, p.His348Asp (NM_001201397.2); c.772C>G (NM_000115.3, NM_000115.4); short protein forms H258D, H348D.
Identifiers: ClinVar variation 1521548 (VCV001521548.9), dbSNP rs368940609, ClinGen allele CA7012265.